The following is an entry in ClinVar:

NM_000271.5(NPC1):c.310C>A (p.Leu104Ile)

Gene: NPC1 (NPC intracellular cholesterol transporter 1; minus strand). Cytogenetic location: 18q11.2.
Variant type: single nucleotide variant.
Coding change: c.310C>A on transcript NM_000271.5 (MANE Select); coding-DNA position 310, C replaced by A.
Protein change: p.Leu104Ile; replaces leucine 104 with isoleucine.
Molecular consequence: missense variant.
Genome position (GRCh38, 1-based): chr18:23,568,976, G>T on the plus strand (C>A on the coding strand, the complement: NPC1 is on the minus strand). VCF-style: chr18-23568976-G-T. GRCh37 (hg19) VCF-style: chr18-21148940-G-T.
Other names: short protein forms L104I.
Identifiers: ClinVar variation 1496181 (VCV001496181.8), dbSNP rs2145527400, ClinGen allele CA401785875.

ClinVar aggregate classification (germline): Uncertain significance (1 of 4 stars; one submission).

Conditions:
Niemann-Pick disease, type C1. Also called: NIEMANN-PICK DISEASE, VARIANT TYPE C1; NEUROVISCERAL STORAGE DISEASE WITH VERTICAL SUPRANUCLEAR OPHTHALMOPLEGIA; NIEMANN-PICK DISEASE WITH CHOLESTEROL ESTERIFICATION BLOCK; NIEMANN-PICK DISEASE WITHOUT SPHINGOMYELINASE DEFICIENCY; NIEMANN-PICK DISEASE, CHRONIC NEURONOPATHIC FORM. Identifiers: Orphanet 646, MedGen C3179455, MONDO:0009757, OMIM 257220.

Submission:

Labcorp Genetics (formerly Invitae), Labcorp
Classification: Uncertain significance for Niemann-Pick disease, type C1. Last evaluated: 2024-03-11. Review status: criteria provided, single submitter. Criteria: Invitae Variant Classification Sherloc (09022015). Collection method: clinical testing. Allele origin: germline.
Comment: This sequence change replaces leucine, which is neutral and non-polar, with isoleucine, which is neutral and non-polar, at codon 104 of the NPC1 protein (p.Leu104Ile). This variant is not present in population databases (gnomAD no frequency). This variant has not been reported in the literature in individuals affected with NPC1-related conditions. ClinVar contains an entry for this variant (Variation ID: 1496181). Advanced modeling of protein sequence and biophysical properties (such as structural, functional, and spatial information, amino acid conservation, physicochemical variation, residue mobility, and thermodynamic stability) has been performed at Invitae for this missense variant, however the output from this modeling did not meet the statistical confidence thresholds required to predict the impact of this variant on NPC1 protein function. In summary, the available evidence is currently insufficient to determine the role of this variant in disease. Therefore, it has been classified as a Variant of Uncertain Significance.